The following is an entry in ClinVar:

ClinVar aggregate classification (germline): Uncertain significance (1 of 4 stars; one submission).

Allele frequency attached by ClinVar (database versions not stated): ExAC 0.00001; gnomAD 0.00002; TOPMed 0.00003.
gnomAD v4.1: 6 of 1,610,668 alleles (0.00037%); highest among the groups gnomAD compares: African/African-American, 0.008%; no homozygotes.

Submission:

Labcorp Genetics (formerly Invitae), Labcorp
Classification: Uncertain significance. Last evaluated: 2025-01-06. Review status: criteria provided, single submitter. Criteria: Invitae Variant Classification Sherloc (09022015). Collection method: clinical testing. Allele origin: germline.
Comment: This sequence change replaces threonine, which is neutral and polar, with asparagine, which is neutral and polar, at codon 213 of the MDH2 protein (p.Thr213Asn). This variant is not present in population databases (gnomAD no frequency). This variant has not been reported in the literature in individuals affected with MDH2-related conditions. ClinVar contains an entry for this variant (Variation ID: 1506600). Invitae Evidence Modeling of protein sequence and biophysical properties (such as structural, functional, and spatial information, amino acid conservation, physicochemical variation, residue mobility, and thermodynamic stability) indicates that this missense variant is not expected to disrupt MDH2 protein function with a negative predictive value of 80%. In summary, the available evidence is currently insufficient to determine the role of this variant in disease. Therefore, it has been classified as a Variant of Uncertain Significance.

NM_005918.4(MDH2):c.638C>A (p.Thr213Asn)

Gene: MDH2 (malate dehydrogenase 2; plus strand). Cytogenetic location: 7q11.23.
Variant type: single nucleotide variant.
Coding change: c.638C>A on transcript NM_005918.4 (MANE Select); coding-DNA position 638, C replaced by A.
Protein change: p.Thr213Asn; replaces threonine 213 with asparagine.
Molecular consequence: missense variant.
Genome position (GRCh38, 1-based): chr7:76,064,343, C>A. VCF-style: chr7-76064343-C-A. GRCh37 (hg19) VCF-style: chr7-75693661-C-A.
Other names: c.512C>A, p.Thr171Asn (NM_001282403.2); c.317C>A, p.Thr106Asn (NM_001282404.2); short protein forms T213N, T106N, T171N.
Identifiers: ClinVar variation 1506600 (VCV001506600.7), dbSNP rs782787769, ClinGen allele CA4305644.